The following is an entry in ClinVar:

NM_001110556.2(FLNA):c.1095C>A (p.Ile365=)

Gene: FLNA (filamin A; minus strand). Cytogenetic location: Xq28.
Variant type: single nucleotide variant.
Coding change: c.1095C>A on transcript NM_001110556.2 (MANE Select); coding-DNA position 1095, C replaced by A.
Protein change: p.Ile365=; no amino-acid change (isoleucine 365 retained).
Molecular consequence: synonymous variant.
Genome position (GRCh38, 1-based): chrX:154,366,441, G>T on the plus strand (C>A on the coding strand, the complement: FLNA is on the minus strand). VCF-style: chrX-154366441-G-T. GRCh37 (hg19) VCF-style: chrX-153594809-G-T.
Other names: c.1095C>A, p.Ile365= (NM_001456.4); c.1095C>A (NM_001110556.1).
Identifiers: ClinVar variation 1673317 (VCV001673317.11), dbSNP rs373366243, ClinGen allele CA10561260.
Genomic context (GRCh38, chrX:154,366,441, plus strand): 5'-TGTCACTTTGCTGGCGTCACCCTGTGACTTATCCACGTACACCTCGAAGGGGCTCTTGGC[G>T]ATGTGCTGGCCAGCAAAGAGCACAGTAACCTGTCCCCAGAAGGGTGGGCCGTGAGGGTAG-3'
Protein context (NP_001104026.1, residues 355-375): KVTVLFAGQH[Ile365=]AKSPFEVYVD

ClinVar aggregate classification (germline): Likely benign. Review status: criteria provided, multiple submitters, no conflicts (2 of 4 stars). 3 submissions from 3 submitters: Likely benign (3). Last evaluated 2026-01-12.

Conditions:
Melnick-Needles syndrome (MNS). Also called: MELNICK-NEEDLES OSTEODYSPLASTY; OSTEODYSPLASTY OF MELNICK AND NEEDLES; Melnick-Needles Syndrome (FLNA-MNS). Identifiers: Orphanet 2484, MedGen C0025237, MONDO:0010650, OMIM 309350.
Frontometaphyseal dysplasia (FMD1). Identifiers: Orphanet 1826, MedGen C0265293, MONDO:0015942.
Heterotopia, periventricular, X-linked dominant (PVNH1). Also called: PERIVENTRICULAR NODULAR HETEROTOPIA 1; X-linked periventricular heterotopia; PERIVENTRICULAR NODULAR HETEROTOPIA 4; HETEROTOPIA, PERIVENTRICULAR, 1. Identifiers: Orphanet 2149, Orphanet 82004, MedGen C1848213, MONDO:0010233, OMIM 300049.
Oto-palato-digital syndrome, type II (OPD2). Also called: FACIOPALATOOSSEOUS SYNDROME; OPD II SYNDROME; Otopalatodigital Syndrome Type 2 (FLNA-OPD2); Otopalatodigital Syndrome, Type II. Identifiers: Orphanet 669, Orphanet 90652, MedGen C1844696, MONDO:0010571, OMIM 304120.
FLNA-related disorder.
Familial thoracic aortic aneurysm and aortic dissection (TAAD). Also called: Thoracic aortic aneurysms and dissections. Identifiers: Orphanet 91387, MedGen C4707243, MONDO:0019625.

Submissions (3):

Labcorp Genetics (formerly Invitae), Labcorp
Classification: Likely benign for Oto-palato-digital syndrome, type II; Heterotopia, periventricular, X-linked dominant; Frontometaphyseal dysplasia; Melnick-Needles syndrome. Last evaluated: 2026-01-12. Review status: criteria provided, single submitter. Criteria: Invitae Variant Classification Sherloc (09022015). Collection method: clinical testing. Allele origin: germline.

PreventionGenetics, part of Exact Sciences
Classification: Likely benign for FLNA-related condition. Last evaluated: 2025-10-30. Review status: criteria provided, single submitter. Criteria: ACMG Guidelines, 2015. Collection method: clinical testing. Allele origin: germline.
Comment: This variant is classified as likely benign based on ACMG/AMP sequence variant interpretation guidelines (Richards et al. 2015 PMID: 25741868, with internal and published modifications).

Ambry Genetics
Classification: Likely benign for Familial thoracic aortic aneurysm and aortic dissection. Last evaluated: 2014-06-27. Review status: criteria provided, single submitter. Criteria: Ambry Variant Classification Scheme 2023. Collection method: clinical testing. Allele origin: germline.